The following is an entry in ClinVar:

NM_001365276.2(TNXB):c.9683G>A (p.Arg3228His)

Gene: TNXB (tenascin XB; minus strand). Cytogenetic location: 6p21.33.
Variant type: single nucleotide variant.
Coding change: c.9683G>A on transcript NM_001365276.2 (MANE Select); coding-DNA position 9683, G replaced by A.
Protein change: p.Arg3228His; replaces arginine 3228 with histidine.
Molecular consequence: missense variant.
Genome position (GRCh38, 1-based): chr6:32,049,344, C>T on the plus strand (G>A on the coding strand, the complement: TNXB is on the minus strand). VCF-style: chr6-32049344-C-T. GRCh37 (hg19) VCF-style: chr6-32017121-C-T.
Other names: c.9677G>A, p.Arg3226His (NM_019105.8); short protein forms R3226H, R3228H.
Identifiers: ClinVar variation 2580448 (VCV002580448.4), dbSNP rs764846659, ClinGen allele CA136900567.

ClinVar aggregate classification (germline): Uncertain significance. Review status: criteria provided, multiple submitters, no conflicts (2 of 4 stars). 2 submissions from 2 submitters: Uncertain significance (2). Last evaluated 2023-10-19.

Conditions:
Cardiovascular phenotype. Identifiers: MedGen CN230736.

Allele frequency attached by ClinVar (database versions not stated): gnomAD exomes 0.00001.
gnomAD v4.1: 19 of 1,612,310 alleles (0.0012%); highest among the groups gnomAD compares: Middle Eastern, 0.02%; no homozygotes.

Submissions (2):

GeneDx
Classification: Uncertain significance. Last evaluated: 2023-10-19. Review status: criteria provided, single submitter. Criteria: GeneDx Variant Classification Process June 2021. Collection method: clinical testing. Allele origin: germline.
Comment: Has not been previously published as pathogenic or benign to our knowledge; Not observed at significant frequency in large population cohorts (gnomAD); In silico analysis supports that this missense variant does not alter protein structure/function

Ambry Genetics
Classification: Uncertain significance for Cardiovascular phenotype. Last evaluated: 2023-07-24. Review status: criteria provided, single submitter. Criteria: Ambry Variant Classification Scheme 2023. Collection method: clinical testing. Allele origin: germline.
Comment: The p.R3226H variant (also known as c.9677G>A), located in coding exon 27 of the TNXB gene, results from a G to A substitution at nucleotide position 9677. The arginine at codon 3226 is replaced by histidine, an amino acid with highly similar properties. This amino acid position is conserved. In addition, this alteration is predicted to be tolerated by in silico analysis. Since supporting evidence is limited at this time, the clinical significance of this alteration remains unclear.